The following is an entry in ClinVar:

ClinVar aggregate classification (germline): Uncertain significance. Review status: criteria provided, multiple submitters, no conflicts (2 of 4 stars). 3 submissions from 3 submitters: Uncertain significance (3). Last evaluated 2024-11-14.

Conditions:
Hereditary cancer-predisposing syndrome. Also called: Hereditary Cancer Syndrome; Neoplastic Syndromes, Hereditary; Tumor predisposition; Hereditary neoplastic syndrome. Identifiers: Orphanet 140162, MedGen C0027672, MeSH D009386, MONDO:0015356.
Ataxia-telangiectasia syndrome (AT). Also called: Ataxia telangiectasia (A-T); Ataxia-telangiectasia, complementation group E; LOUIS-BAR SYNDROME; Cerebello-oculocutaneous telangiectasia; Immunodeficiency with ataxia telangiectasia; Ataxia-telangiectasia, complementation group D. Identifiers: Orphanet 100, MedGen C0004135, MONDO:0008840, OMIM 208900.

Allele frequency attached by ClinVar (database versions not stated): gnomAD exomes below 0.00001.
gnomAD v4.1: 1 of 1,613,332 alleles (0.000062%); highest among the groups gnomAD compares: Non-Finnish European, 0.000085%; no homozygotes.

Submissions (3):

Ambry Genetics
Classification: Uncertain significance for Hereditary cancer-predisposing syndrome. Last evaluated: 2024-11-14. Review status: criteria provided, single submitter. Criteria: Ambry Variant Classification Scheme 2023. Collection method: clinical testing. Allele origin: germline.
Comment: The p.P80L variant (also known as c.239C>T), located in coding exon 3 of the ATM gene, results from a C to T substitution at nucleotide position 239. The proline at codon 80 is replaced by leucine, an amino acid with similar properties. This amino acid position is not well conserved in available vertebrate species. In addition, this alteration is predicted to be tolerated by in silico analysis. Based on the available evidence, the clinical significance of this variant remains unclear.

Labcorp Genetics (formerly Invitae), Labcorp
Classification: Uncertain significance for Ataxia-telangiectasia syndrome. Last evaluated: 2024-09-25. Review status: criteria provided, single submitter. Criteria: Invitae Variant Classification Sherloc (09022015). Collection method: clinical testing. Allele origin: germline.
Comment: This sequence change replaces proline, which is neutral and non-polar, with leucine, which is neutral and non-polar, at codon 80 of the ATM protein (p.Pro80Leu). This variant is not present in population databases (gnomAD no frequency). This variant has not been reported in the literature in individuals affected with ATM-related conditions. ClinVar contains an entry for this variant (Variation ID: 232801). Invitae Evidence Modeling of protein sequence and biophysical properties (such as structural, functional, and spatial information, amino acid conservation, physicochemical variation, residue mobility, and thermodynamic stability) indicates that this missense variant is not expected to disrupt ATM protein function with a negative predictive value of 95%. In summary, the available evidence is currently insufficient to determine the role of this variant in disease. Therefore, it has been classified as a Variant of Uncertain Significance.

Color Diagnostics, LLC DBA Color Health
Classification: Uncertain significance for Hereditary cancer-predisposing syndrome. Last evaluated: 2024-03-06. Review status: criteria provided, single submitter. Criteria: ACMG Guidelines, 2015. Collection method: clinical testing. Allele origin: germline.
Comment: This missense variant replaces proline with leucine at codon 80 of the ATM protein. Computational prediction suggests that this variant may not impact protein structure and function (internally defined REVEL score threshold <= 0.5, PMID: 27666373). To our knowledge, functional studies have not been reported for this variant. This variant has not been reported in individuals affected with hereditary cancer in the literature. This variant has not been identified in the general population by the Genome Aggregation Database (gnomAD). The available evidence is insufficient to determine the role of this variant in disease conclusively. Therefore, this variant is classified as a Variant of Uncertain Significance.

NM_000051.4(ATM):c.239C>T (p.Pro80Leu)

Gene: ATM (ATM serine/threonine kinase; plus strand). Cytogenetic location: 11q22.3.
Variant type: single nucleotide variant.
Coding change: c.239C>T on transcript NM_000051.4 (MANE Select); coding-DNA position 239, C replaced by T.
Protein change: p.Pro80Leu; replaces proline 80 with leucine.
Molecular consequence: missense variant.
Genome position (GRCh38, 1-based): chr11:108,229,231, C>T. VCF-style: chr11-108229231-C-T. GRCh37 (hg19) VCF-style: chr11-108099958-C-T.
Other names: c.239C>T, p.Pro80Leu (NM_001351834.2, NM_001351835.2, NM_001351836.2); short protein forms P80L.
Identifiers: ClinVar variation 232801 (VCV000232801.16), dbSNP rs876659996, ClinGen allele CA10578953.